The following is an entry in ClinVar:

NM_003737.4(DCHS1):c.5127G>A (p.Leu1709=)

Gene: DCHS1 (dachsous cadherin-related 1; minus strand). Cytogenetic location: 11p15.4.
Variant type: single nucleotide variant.
Coding change: c.5127G>A on transcript NM_003737.4 (MANE Select); coding-DNA position 5127, G replaced by A.
Protein change: p.Leu1709=; no amino-acid change (leucine 1709 retained).
Molecular consequence: synonymous variant.
Genome position (GRCh38, 1-based): chr11:6,629,486, C>T on the plus strand (G>A on the coding strand, the complement: DCHS1 is on the minus strand). VCF-style: chr11-6629486-C-T. GRCh37 (hg19) VCF-style: chr11-6650717-C-T.
Identifiers: ClinVar variation 709882 (VCV000709882.17), dbSNP rs144579019, ClinGen allele CA5860171.

ClinVar aggregate classification (germline): Benign. Review status: criteria provided, multiple submitters, no conflicts (2 of 4 stars). 6 submissions from 6 submitters: Benign (3). 3 of the submissions do not count toward it. Last evaluated 2026-01-28.

Conditions:
DCHS1-related disorder. Also called: DCHS1-related condition.

Allele frequency attached by ClinVar (database versions not stated): gnomAD exomes 0.00056 and 0.00145; ExAC 0.00190; ESP Exome Variant Server 0.00554; gnomAD 0.00556 and 0.00581; TOPMed 0.00645; 1000 Genomes Project 0.00839; 1000 Genomes Project 30x 0.00937.
gnomAD v4.1: 1,724 of 1,613,102 alleles (0.11%); highest among the groups gnomAD compares: African/African-American, 2%; 20 homozygotes.

Submissions (7):

Labcorp Genetics (formerly Invitae), Labcorp
Classification: Benign. Last evaluated: 2026-01-28. Review status: criteria provided, single submitter. Criteria: Invitae Variant Classification Sherloc (09022015). Collection method: clinical testing. Allele origin: germline.

GeneDx
Classification: Benign. Last evaluated: 2020-11-11. Review status: criteria provided, single submitter. Criteria: GeneDx Variant Classification Process June 2021. Collection method: clinical testing. Allele origin: germline. Affected: yes.

Breakthrough Genomics
Classification: Benign. Review status: criteria provided, single submitter. Criteria: ACMG Guidelines, 2015. Collection method: not provided. Allele origin: germline. Inheritance: Autosomal recessive inheritance. Affected: yes.

PreventionGenetics, part of Exact Sciences
Classification: Benign for DCHS1-related condition. Last evaluated: 2024-06-03. Review status: no assertion criteria provided. Collection method: clinical testing. Allele origin: germline. Not counted in ClinVar's aggregate classification.
Comment: This variant is classified as benign based on ACMG/AMP sequence variant interpretation guidelines (Richards et al. 2015 PMID: 25741868, with internal and published modifications).

Clinical Genetics DNA and cytogenetics Diagnostics Lab, Erasmus MC, Erasmus Medical Center
Classification: Benign. Review status: no assertion criteria provided. Collection method: clinical testing. Allele origin: germline. Affected: yes. Study: VKGL Data-share Consensus. Not counted in ClinVar's aggregate classification.

Clinical Genetics, Academic Medical Center
Classification: Benign. Review status: no assertion criteria provided. Collection method: clinical testing. Allele origin: germline. Affected: yes. Study: VKGL Data-share Consensus. Not counted in ClinVar's aggregate classification.

Dr. Peter K. Rogan Lab, Western University
No classification provided (evidence only). Condition: Ovarian serous cystadenocarcinoma. Review status: no classification provided. Collection method: in vitro. Allele origin: not applicable. Functional consequence: retained intron. Not counted in ClinVar's aggregate classification.